The following is an entry in ClinVar:

NM_002979.5(SCP2):c.483G>C (p.Gln161His)

Gene: SCP2 (sterol carrier protein 2; plus strand). Cytogenetic location: 1p32.3.
Variant type: single nucleotide variant.
Coding change: c.483G>C on transcript NM_002979.5 (MANE Select); coding-DNA position 483, G replaced by C.
Protein change: p.Gln161His; replaces glutamine 161 with histidine.
Molecular consequence: missense variant.
Genome position (GRCh38, 1-based): chr1:52,961,589, G>C. VCF-style: chr1-52961589-G-C. GRCh37 (hg19) VCF-style: chr1-53427261-G-C.
Other names: p.Gln161His; c.351G>C, p.Gln117His (NM_001007098.3, NM_001193600.2); c.411G>C, p.Gln137His (NM_001193599.2); c.240G>C, p.Gln80His (NM_001193617.2); c.483G>C, p.Gln161His (NM_001330587.2); short protein forms Q117H, Q137H, Q161H, Q80H.
Identifiers: ClinVar variation 1386462 (VCV001386462.7), dbSNP rs1656454468, ClinGen allele CA340377799.
Genomic context (GRCh38, chr1:52,961,589, plus strand): 5'-TAAGCATGTTGACCTCCTGATCAATAAGTATGGATTGTCTGCTCACCCAGTTGCTCCTCA[G>C]ATGTTTGGGTATGCTGGAAAAGAACATATGGAAAAATATGGTATGTTACAGTTAAAAAAC-3'
Protein context (NP_002970.2, residues 151-171): YGLSAHPVAP[Gln161His]MFGYAGKEHM

ClinVar aggregate classification (germline): Uncertain significance. Review status: criteria provided, multiple submitters, no conflicts (2 of 4 stars). 2 submissions from 2 submitters: Uncertain significance (2). Last evaluated 2025-10-15.

Allele frequency attached by ClinVar (database versions not stated): gnomAD exomes below 0.00001; gnomAD 0.00001.
gnomAD v4.1: 5 of 1,613,792 alleles (0.00031%); highest among the groups gnomAD compares: Admixed American, 0.0083%; no homozygotes.

Submissions (2):

Mayo Clinic Laboratories, Mayo Clinic
Classification: Uncertain significance. Last evaluated: 2025-10-15. Review status: criteria provided, single submitter. Criteria: ACMG Guidelines, 2015. Collection method: clinical testing. Allele origin: germline. Observed: 1 variant allele.
Comment: PP3_moderate, PM2_supporting

Labcorp Genetics (formerly Invitae), Labcorp
Classification: Uncertain significance. Last evaluated: 2021-12-15. Review status: criteria provided, single submitter. Criteria: Invitae Variant Classification Sherloc (09022015). Collection method: clinical testing. Allele origin: germline.
Comment: In summary, the available evidence is currently insufficient to determine the role of this variant in disease. Therefore, it has been classified as a Variant of Uncertain Significance. Algorithms developed to predict the effect of missense changes on protein structure and function are either unavailable or do not agree on the potential impact of this missense change (SIFT: "Deleterious"; PolyPhen-2: "Probably Damaging"; Align-GVGD: "Class C15"). This variant has not been reported in the literature in individuals affected with SCP2-related conditions. This variant is not present in population databases (gnomAD no frequency). This sequence change replaces glutamine, which is neutral and polar, with histidine, which is basic and polar, at codon 161 of the SCP2 protein (p.Gln161His).